The following is an entry in ClinVar:

ClinVar aggregate classification (germline): Uncertain significance. Review status: criteria provided, multiple submitters, no conflicts (2 of 4 stars). 2 submissions from 2 submitters: Uncertain significance (2). Last evaluated 2021-11-28.

Conditions:
Congenital secretory diarrhea, chloride type (DIAR1). Also called: DIARRHEA 1, SECRETORY CHLORIDE, CONGENITAL; CHLORIDORRHEA, CONGENITAL; CHLORIDE DIARRHEA, CONGENITAL, FINNISH TYPE. Identifiers: Orphanet 53689, MedGen C0267662, MONDO:0008964, OMIM 214700.

Allele frequency attached by ClinVar (database versions not stated): ExAC 0.00001; gnomAD exomes 0.00001.
gnomAD v4.1: 6 of 1,614,138 alleles (0.00037%); highest among the groups gnomAD compares: South Asian, 0.0044%; no homozygotes.

Submissions (2):

Labcorp Genetics (formerly Invitae), Labcorp
Classification: Uncertain significance. Last evaluated: 2021-11-28. Review status: criteria provided, single submitter. Criteria: Invitae Variant Classification Sherloc (09022015). Collection method: clinical testing. Allele origin: germline.
Comment: This sequence change replaces threonine, which is neutral and polar, with isoleucine, which is neutral and non-polar, at codon 622 of the SLC26A3 protein (p.Thr622Ile). This variant is present in population databases (rs765515301, gnomAD 0.006%). This variant has not been reported in the literature in individuals affected with SLC26A3-related conditions. ClinVar contains an entry for this variant (Variation ID: 912260). Algorithms developed to predict the effect of missense changes on protein structure and function are either unavailable or do not agree on the potential impact of this missense change (SIFT: "Tolerated"; PolyPhen-2: "Possibly Damaging"; Align-GVGD: "Class C0"). In summary, the available evidence is currently insufficient to determine the role of this variant in disease. Therefore, it has been classified as a Variant of Uncertain Significance.

Illumina Laboratory Services, Illumina
Classification: Uncertain significance for Congenital secretory diarrhea, chloride type. Last evaluated: 2018-01-12. Review status: criteria provided, single submitter. Criteria: ICSL Variant Classification Criteria 13 December 2019. Collection method: clinical testing. Allele origin: germline.

NM_000111.3(SLC26A3):c.1865C>T (p.Thr622Ile)

Gene: SLC26A3 (solute carrier family 26 member 3; minus strand). Cytogenetic location: 7q22.3.
Variant type: single nucleotide variant.
Coding change: c.1865C>T on transcript NM_000111.3 (MANE Select); coding-DNA position 1865, C replaced by T.
Protein change: p.Thr622Ile; replaces threonine 622 with isoleucine.
Molecular consequence: missense variant.
Genome position (GRCh38, 1-based): chr7:107,774,062, G>A on the plus strand (C>T on the coding strand, the complement: SLC26A3 is on the minus strand). VCF-style: chr7-107774062-G-A. GRCh37 (hg19) VCF-style: chr7-107414507-G-A.
Other names: short protein forms T622I.
Identifiers: ClinVar variation 912260 (VCV000912260.6), dbSNP rs765515301, ClinGen allele CA4433664.